The following is an entry in ClinVar:

ClinVar aggregate classification (germline): Uncertain significance (1 of 4 stars; one submission).

Allele frequency attached by ClinVar (database versions not stated): ExAC 0.00023.

Submission:

Ambry Genetics
Classification: Uncertain significance. Last evaluated: 2026-06-10. Review status: criteria provided, single submitter. Criteria: Ambry Variant Classification Scheme 2023. Collection method: clinical testing. Allele origin: germline.
Comment: The c.3568C>T (p.R1190C) alteration is located in exon 29 (coding exon 29) of the DMBT1 gene. This alteration results from a C to T substitution at nucleotide position 3568, causing the arginine (R) at amino acid position 1190 to be replaced by a cysteine (C). Based on data from gnomAD, the T allele has an overall frequency of 0.006% (4/71078) total alleles studied. The highest observed frequency was 0.02% (1/4952) of African alleles. Based on insufficient or conflicting evidence, the clinical significance of this alteration remains unclear.

NM_001377530.1(DMBT1):c.3568C>T (p.Arg1190Cys)

Gene: DMBT1 (deleted in malignant brain tumors 1; plus strand). Cytogenetic location: 10q26.13.
Variant type: single nucleotide variant.
Coding change: c.3568C>T on transcript NM_001377530.1 (MANE Select); coding-DNA position 3568, C replaced by T.
Protein change: p.Arg1190Cys; replaces arginine 1190 with cysteine.
Molecular consequence: missense variant.
Genome position (GRCh38, 1-based): chr10:122,602,021, C>T. VCF-style: chr10-122602021-C-T. GRCh37 (hg19) VCF-style: chr10-124361537-C-T.
Other names: c.3538C>T, p.Arg1180Cys (NM_017579.3); c.3568C>T, p.Arg1190Cys (NM_001320644.2, NM_007329.3); c.2071C>T, p.Arg691Cys (NM_004406.3); short protein forms R1190C, R691C, R1180C.
Identifiers: ClinVar variation 3083041 (VCV003083041.2), dbSNP rs778351758, ClinGen allele CA5727587.
Genomic context (GRCh38, chr10:122,602,021, plus strand): 5'-TCAGCCCCAGGAAATGCCCGGTTTGGCCAGGGTTCAGGACCCATTGTCCTGGATGATGTG[C>T]GCTGCTCAGGACATGAGTCCTATCTGTGGAGCTGCCCCCACAATGGCTGGCTCTCCCACA-3'
Protein context (NP_001364459.1, residues 1180-1200): GSGPIVLDDV[Arg1190Cys]CSGHESYLWS